The following is an entry in ClinVar:

ClinVar aggregate classification (germline): Uncertain significance (1 of 4 stars; one submission).

Submission:

Labcorp Genetics (formerly Invitae), Labcorp
Classification: Uncertain significance. Last evaluated: 2023-10-10. Review status: criteria provided, single submitter. Criteria: Invitae Variant Classification Sherloc (09022015). Collection method: clinical testing. Allele origin: germline.
Comment: This sequence change replaces alanine, which is neutral and non-polar, with aspartic acid, which is acidic and polar, at codon 615 of the DNM1L protein (p.Ala615Asp). This variant is not present in population databases (gnomAD no frequency). This variant has not been reported in the literature in individuals affected with DNM1L-related conditions. An algorithm developed to predict the effect of missense changes on protein structure and function (PolyPhen-2) suggests that this variant is likely to be tolerated. In summary, the available evidence is currently insufficient to determine the role of this variant in disease. Therefore, it has been classified as a Variant of Uncertain Significance.

NM_012062.5(DNM1L):c.1844C>A (p.Ala615Asp)

Gene: DNM1L (dynamin 1 like; plus strand). Cytogenetic location: 12p11.21.
Variant type: single nucleotide variant.
Coding change: c.1844C>A on transcript NM_012062.5 (MANE Select); coding-DNA position 1844, C replaced by A.
Protein change: p.Ala615Asp; replaces alanine 615 with aspartic acid.
Molecular consequence: missense variant.
Genome position (GRCh38, 1-based): chr12:32,740,200, C>A. VCF-style: chr12-32740200-C-A. GRCh37 (hg19) VCF-style: chr12-32893134-C-A.
Other names: c.1850C>A, p.Ala617Asp (NM_001278465.2); c.1235C>A, p.Ala412Asp (NM_001278466.2); c.1772C>A, p.Ala591Asp (NM_001330380.2); c.1733C>A, p.Ala578Asp (NM_005690.5); c.1766C>A, p.Ala589Asp (NM_012063.4); c.1811C>A, p.Ala604Asp (NM_001278463.2); c.1883C>A, p.Ala628Asp (NM_001278464.2); short protein forms A589D, A604D, A412D, A578D, A591D, A615D, A617D, A628D.
Identifiers: ClinVar variation 2767519 (VCV002767519.3), dbSNP rs2541121578, ClinGen allele CA384363141.